The following is an entry in ClinVar:

NM_002206.3(ITGA7):c.459C>G (p.Ile153Met)

Gene: ITGA7 (integrin subunit alpha 7; minus strand). Cytogenetic location: 12q13.2.
Variant type: single nucleotide variant.
Coding change: c.459C>G on transcript NM_002206.3 (MANE Select); coding-DNA position 459, C replaced by G.
Protein change: p.Ile153Met; replaces isoleucine 153 with methionine.
Molecular consequence: missense variant. On other transcripts: 5 prime UTR variant (1).
Genome position (GRCh38, 1-based): chr12:55,701,110, G>C on the plus strand (C>G on the coding strand, the complement: ITGA7 is on the minus strand). VCF-style: chr12-55701110-G-C. GRCh37 (hg19) VCF-style: chr12-56094894-G-C.
Other names: p.Ile153Met; c.459C>G, p.Ile153Met (NM_001144996.2, NM_001374465.1, NM_001410977.1 and 5 more transcripts); c.168C>G, p.Ile56Met (NM_001144997.2); c.120C>G, p.Ile40Met (NM_001367993.1, NM_001414035.1); c.-714C>G (NM_001367994.1); short protein forms I153M, I56M, I40M.
Identifiers: ClinVar variation 258587 (VCV000258587.20), dbSNP rs149000088, ClinGen allele CA6616304.

ClinVar aggregate classification (germline): Benign/Likely benign. Review status: criteria provided, multiple submitters, no conflicts (2 of 4 stars). 7 submissions from 7 submitters: Benign (4); Likely benign (3). Last evaluated 2026-01-28.

Conditions:
Congenital muscular dystrophy due to integrin alpha-7 deficiency. Also called: MYOPATHY, CONGENITAL, DUE TO INTEGRIN ALPHA-7 DEFICIENCY; Congenital muscular dystrophy with integrin alpha-7 deficiency; Muscular dystrophy, congenital, due to ITGA7 deficiency. Identifiers: Orphanet 34520, MedGen C2750786, MONDO:0013177, OMIM 613204.

Allele frequency attached by ClinVar (database versions not stated): 1000 Genomes Project 30x 0.00484; 1000 Genomes Project 0.00519; gnomAD 0.00622 and 0.00672; ESP Exome Variant Server 0.00661; TOPMed 0.00727.
gnomAD v4.1: 1,804 of 1,614,234 alleles (0.11%); highest among the groups gnomAD compares: African/African-American, 2.1%; 18 homozygotes.

Submissions (7):

Labcorp Genetics (formerly Invitae), Labcorp
Classification: Benign for Congenital muscular dystrophy due to integrin alpha-7 deficiency. Last evaluated: 2026-01-28. Review status: criteria provided, single submitter. Criteria: Invitae Variant Classification Sherloc (09022015). Collection method: clinical testing. Allele origin: germline.

Blueprint Genetics
Classification: Likely benign. Last evaluated: 2024-11-26. Review status: criteria provided, single submitter. Criteria: ACMG Guidelines, 2015. Collection method: clinical testing. Allele origin: germline.

Mayo Clinic Laboratories, Mayo Clinic
Classification: Benign. Last evaluated: 2024-02-15. Review status: criteria provided, single submitter. Criteria: ACMG Guidelines, 2015. Collection method: clinical testing. Allele origin: germline. Observed: 7 variant alleles.
Comment: BS1, BS2, BP4

GeneDx
Classification: Benign. Last evaluated: 2018-09-24. Review status: criteria provided, single submitter. Criteria: GeneDx Variant Classification Process June 2021. Collection method: clinical testing. Allele origin: germline. Affected: yes.

Center for Pediatric Genomic Medicine, Children's Mercy Hospital and Clinics
Classification: Likely benign. Last evaluated: 2017-05-03. Review status: criteria provided, single submitter. Criteria: ACMG Guidelines, 2015. Collection method: clinical testing. Allele origin: germline.

Breakthrough Genomics
Classification: Likely benign. Review status: criteria provided, single submitter. Criteria: ACMG Guidelines, 2015. Collection method: not provided. Allele origin: germline. Inheritance: Autosomal recessive inheritance. Affected: yes.

PreventionGenetics, part of Exact Sciences
Classification: Benign. Review status: criteria provided, single submitter. Criteria: ACMG Guidelines, 2015. Collection method: clinical testing. Allele origin: germline.